The following is an entry in ClinVar:

NM_021942.6(TRAPPC11):c.1346C>T (p.Pro449Leu)

Gene: TRAPPC11 (trafficking protein particle complex subunit 11; plus strand). Cytogenetic location: 4q35.1.
Variant type: single nucleotide variant.
Coding change: c.1346C>T on transcript NM_021942.6 (MANE Select); coding-DNA position 1346, C replaced by T.
Protein change: p.Pro449Leu; replaces proline 449 with leucine.
Molecular consequence: missense variant.
Genome position (GRCh38, 1-based): chr4:183,684,203, C>T. VCF-style: chr4-183684203-C-T. GRCh37 (hg19) VCF-style: chr4-184605356-C-T.
Other names: c.1346C>T, p.Pro449Leu (NM_199053.3); c.1346C>T (NM_021942.4); short protein forms P449L.
Identifiers: ClinVar variation 1399044 (VCV001399044.7), dbSNP rs781595103, ClinGen allele CA3151885.

ClinVar aggregate classification (germline): Uncertain significance. Review status: criteria provided, multiple submitters, no conflicts (2 of 4 stars). 2 submissions from 2 submitters: Uncertain significance (2). Last evaluated 2025-11-18.

Conditions:
Inborn genetic diseases. Identifiers: MedGen C0950123, MeSH D030342.
Autosomal recessive limb-girdle muscular dystrophy type R18 (LGMDR18). Also called: Limb-girdle muscular dystrophy, type 2S; MUSCULAR DYSTROPHY, LIMB-GIRDLE, AUTOSOMAL RECESSIVE 18; Autosomal recessive limb-girdle muscular dystrophy type 2S. Identifiers: Orphanet 369840, MedGen C4517996, MONDO:0014144, OMIM 615356.

Allele frequency attached by ClinVar (database versions not stated): ExAC 0.00001; TOPMed 0.00005; gnomAD 0.00003 and 0.00004; gnomAD exomes 0.00001.
gnomAD v4.1: 38 of 1,613,806 alleles (0.0024%); highest among the groups gnomAD compares: African/African-American, 0.0053%; no homozygotes.

Submissions (2):

Labcorp Genetics (formerly Invitae), Labcorp
Classification: Uncertain significance for Autosomal recessive limb-girdle muscular dystrophy type R18. Last evaluated: 2025-11-18. Review status: criteria provided, single submitter. Criteria: Invitae Variant Classification Sherloc (09022015). Collection method: clinical testing. Allele origin: germline.
Comment: This sequence change replaces proline, which is neutral and non-polar, with leucine, which is neutral and non-polar, at codon 449 of the TRAPPC11 protein (p.Pro449Leu). This variant is present in population databases (rs781595103, gnomAD 0.007%). This variant has not been reported in the literature in individuals affected with TRAPPC11-related conditions. ClinVar contains an entry for this variant (Variation ID: 1399044). Invitae Evidence Modeling of protein sequence and biophysical properties (such as structural, functional, and spatial information, amino acid conservation, physicochemical variation, residue mobility, and thermodynamic stability) has been performed for this missense variant. However, the output from this modeling did not meet the statistical confidence thresholds required to predict the impact of this variant on TRAPPC11 protein function. In summary, the available evidence is currently insufficient to determine the role of this variant in disease. Therefore, it has been classified as a Variant of Uncertain Significance.

Ambry Genetics
Classification: Uncertain significance for Inborn genetic diseases. Last evaluated: 2025-10-17. Review status: criteria provided, single submitter. Criteria: Ambry Variant Classification Scheme 2023. Collection method: clinical testing. Allele origin: germline.